The following is an entry in ClinVar:

NM_001042492.3(NF1):c.4095C>T (p.Cys1365=)

Gene: NF1 (neurofibromin 1; plus strand). Cytogenetic location: 17q11.2.
Variant type: single nucleotide variant.
Coding change: c.4095C>T on transcript NM_001042492.3 (MANE Select); coding-DNA position 4095, C replaced by T.
Protein change: p.Cys1365=; no amino-acid change (cysteine 1365 retained).
Molecular consequence: synonymous variant.
Genome position (GRCh38, 1-based): chr17:31,249,104, C>T. VCF-style: chr17-31249104-C-T. GRCh37 (hg19) VCF-style: chr17-29576122-C-T.
Other names: c.4095C>T, p.Cys1365= (NM_000267.4).
Identifiers: ClinVar variation 413037 (VCV000413037.19), dbSNP rs1060503922, ClinGen allele CA16615244.
Genomic context (GRCh38, chr17:31,249,104, plus strand): 5'-GTTCTTCCATGCCATCATCAGTTCCTCCTCAGAATTCCCCCCTCAACTTCGAAGTGTGTG[C>T]CACTGTTTATACCAGGTATGCTTACAGTTAGAGATTACCATTATTAATCTAAAGTTAAAT-3'
Protein context (NP_001035957.1, residues 1355-1375): SEFPPQLRSV[Cys1365=]HCLYQATCHS

ClinVar aggregate classification (germline): Conflicting classifications of pathogenicity. Review status: criteria provided, conflicting classifications (1 of 4 stars). 4 submissions from 4 submitters: Uncertain significance (1); Benign (1); Likely benign (2). Last evaluated 2026-05-19.

Conditions:
Neurofibromatosis, type 1 (NF1). Also called: VON RECKLINGHAUSEN DISEASE; NEUROFIBROMATOSIS, TYPE I, SOMATIC; Neurofibromatosis, type I; Peripheral type neurofibromatosis. Identifiers: Orphanet 636, MedGen C0027831, MONDO:0018975, OMIM 162200. Disease mechanism: loss of function.
Hereditary cancer-predisposing syndrome. Also called: Hereditary Cancer Syndrome; Neoplastic Syndromes, Hereditary; Hereditary neoplastic syndrome; Tumor predisposition. Identifiers: Orphanet 140162, MedGen C0027672, MeSH D009386, MONDO:0015356.
Cardiovascular phenotype. Identifiers: MedGen CN230736.

Allele frequency attached by ClinVar (database versions not stated): gnomAD exomes below 0.00001.
gnomAD v4.1: 3 of 1,613,940 alleles (0.00019%); highest among the groups gnomAD compares: Non-Finnish European, 0.00025%; no homozygotes.

Submissions (4):

Myriad Genetics, Inc.
Classification: Benign for Neurofibromatosis, type 1. Last evaluated: 2026-05-19. Review status: criteria provided, single submitter. Criteria: Myriad Autosomal Dominant, Autosomal Recessive and X-Linked Classification Criteria (2023). Collection method: clinical testing. Allele origin: unknown.
Comment: This variant is considered benign. This variant is a silent/synonymous amino acid change and it is not expected to impact splicing.

Labcorp Genetics (formerly Invitae), Labcorp
Classification: Likely benign for Neurofibromatosis, type 1. Last evaluated: 2025-08-09. Review status: criteria provided, single submitter. Criteria: Invitae Variant Classification Sherloc (09022015). Collection method: clinical testing. Allele origin: germline.

GeneDx
Classification: Uncertain significance. Last evaluated: 2023-07-26. Review status: criteria provided, single submitter. Criteria: GeneDx Variant Classification Process June 2021. Collection method: clinical testing. Allele origin: germline. Affected: yes.
Comment: Not observed at significant frequency in large population cohorts (gnomAD); In silico analysis supports that this variant does not alter splicing; Has not been previously published as pathogenic or benign to our knowledge

Ambry Genetics
Classification: Likely benign for Cardiovascular phenotype; Hereditary cancer-predisposing syndrome. Last evaluated: 2017-09-22. Review status: criteria provided, single submitter. Criteria: Ambry Variant Classification Scheme 2023. Collection method: clinical testing. Allele origin: germline.